The following is an entry in ClinVar:

NM_001127208.3(TET2):c.3011A>T (p.Lys1004Ile)

Genes: TET2 (tet methylcytosine dioxygenase 2; plus strand), TET2-AS1 (TET2 antisense RNA 1; minus strand). Cytogenetic location: 4q24.
Variant type: single nucleotide variant.
Coding change: c.3011A>T on transcript NM_001127208.3 (MANE Select); coding-DNA position 3011, A replaced by T.
Protein change: p.Lys1004Ile; replaces lysine 1004 with isoleucine.
Molecular consequence: missense variant.
Genome position (GRCh38, 1-based): chr4:105,236,953, A>T. VCF-style: chr4-105236953-A-T. GRCh37 (hg19) VCF-style: chr4-106158110-A-T.
Other names: c.3011A>T, p.Lys1004Ile (NM_017628.4); short protein forms K1004I.
Identifiers: ClinVar variation 3359863 (VCV003359863.2).

ClinVar aggregate classification (germline): Uncertain significance. Review status: criteria provided, multiple submitters, no conflicts (2 of 4 stars). 2 submissions from 2 submitters: Uncertain significance (2). Last evaluated 2026-05-24.

Submissions (2):

Ambry Genetics
Classification: Uncertain significance. Last evaluated: 2026-05-24. Review status: criteria provided, single submitter. Criteria: Ambry Variant Classification Scheme 2023. Collection method: clinical testing. Allele origin: germline.
Comment: The p.K1004I variant (also known as c.3011A>T), located in coding exon 1 of the TET2 gene, results from an A to T substitution at nucleotide position 3011. The lysine at codon 1004 is replaced by isoleucine, an amino acid with dissimilar properties. This amino acid position is conserved. In addition, this alteration is predicted to be tolerated by in silico analysis. Based on the available evidence, the clinical significance of this variant remains unclear.

GeneDx
Classification: Uncertain significance. Last evaluated: 2023-06-15. Review status: criteria provided, single submitter. Criteria: GeneDx Variant Classification Process June 2021. Collection method: clinical testing. Allele origin: germline. Affected: yes.
Comment: Not observed at significant frequency in large population cohorts (gnomAD); In silico analysis supports that this missense variant has a deleterious effect on protein structure/function; Has not been previously published as pathogenic or benign to our knowledge